The following is an entry in ClinVar:

ClinVar aggregate classification (germline): Likely benign. Review status: criteria provided, multiple submitters, no conflicts (2 of 4 stars). 2 submissions from 2 submitters: Likely benign (2). Last evaluated 2024-02-22.

Conditions:
Developmental and epileptic encephalopathy, 36 (DEE36). Also called: Congenital disorder of glycosylation, type Is; Epileptic encephalopathy, early infantile, 36; ALG13-CDG. Identifiers: Orphanet 324422, MedGen C4317295, MONDO:0010472, OMIM 300884.

Allele frequency attached by ClinVar (database versions not stated): gnomAD 0.00001; ExAC 0.00002; gnomAD exomes 0.00002 and 0.00005; TOPMed 0.00003.
gnomAD v4.1: 53 of 1,191,955 alleles (0.0044%); highest among the groups gnomAD compares: Non-Finnish European, 0.0056%; no homozygotes.

Submissions (2):

Labcorp Genetics (formerly Invitae), Labcorp
Classification: Likely benign for Developmental and epileptic encephalopathy, 36. Last evaluated: 2024-02-22. Review status: criteria provided, single submitter. Criteria: Invitae Variant Classification Sherloc (09022015). Collection method: clinical testing. Allele origin: germline.

GeneDx
Classification: Likely benign. Last evaluated: 2017-12-15. Review status: criteria provided, single submitter. Criteria: GeneDx Variant Classification (06012015). Collection method: clinical testing. Allele origin: germline. Affected: yes.
Comment: This variant is considered likely benign or benign based on one or more of the following criteria: it is a conservative change, it occurs at a poorly conserved position in the protein, it is predicted to be benign by multiple in silico algorithms, and/or has population frequency not consistent with disease.

NM_001099922.3(ALG13):c.2082T>C (p.Tyr694=)

Gene: ALG13 (ALG13 UDP-N-acetylglucosaminyltransferase subunit; plus strand). Cytogenetic location: Xq23.
Variant type: single nucleotide variant.
Coding change: c.2082T>C on transcript NM_001099922.3 (MANE Select); coding-DNA position 2082, T replaced by C.
Protein change: p.Tyr694=; no amino-acid change (tyrosine 694 retained).
Molecular consequence: synonymous variant. On other transcripts: non-coding transcript variant (1).
Genome position (GRCh38, 1-based): chrX:111,727,437, T>C. VCF-style: chrX-111727437-T-C. GRCh37 (hg19) VCF-style: chrX-110970665-T-C.
Other names: c.1770T>C, p.Tyr590= (NM_001257230.2, NM_001257234.2, NM_001257237.2); c.1848T>C, p.Tyr616= (NM_001257231.2); c.2082T>C, p.Tyr694= (NM_001324292.2); c.1596T>C, p.Tyr532= (NM_001324293.1).
Identifiers: ClinVar variation 390919 (VCV000390919.12), dbSNP rs778640194, ClinGen allele CA10493818.